The following is an entry in ClinVar:

ClinVar aggregate classification (germline): Uncertain significance (1 of 4 stars; one submission).

Allele frequency attached by ClinVar (database versions not stated): gnomAD 0.00003 and 0.00004.
gnomAD v4.1: 118 of 1,601,422 alleles (0.0074%); highest among the groups gnomAD compares: Non-Finnish European, 0.0092%; no homozygotes.

Submission:

Labcorp Genetics (formerly Invitae), Labcorp
Classification: Uncertain significance. Last evaluated: 2022-05-10. Review status: criteria provided, single submitter. Criteria: Invitae Variant Classification Sherloc (09022015). Collection method: clinical testing. Allele origin: germline.
Comment: This sequence change replaces alanine, which is neutral and non-polar, with threonine, which is neutral and polar, at codon 4495 of the PCLO protein (p.Ala4495Thr). This variant is present in population databases (rs370681449, gnomAD 0.009%). This variant has not been reported in the literature in individuals affected with PCLO-related conditions. Algorithms developed to predict the effect of missense changes on protein structure and function are either unavailable or do not agree on the potential impact of this missense change (SIFT: "Tolerated"; PolyPhen-2: "Not Available"; Align-GVGD: "Class C0"). In summary, the available evidence is currently insufficient to determine the role of this variant in disease. Therefore, it has been classified as a Variant of Uncertain Significance.

NM_033026.6(PCLO):c.13483G>A (p.Ala4495Thr)

Gene: PCLO (piccolo presynaptic cytomatrix protein; minus strand). Cytogenetic location: 7q21.11.
Variant type: single nucleotide variant.
Coding change: c.13483G>A on transcript NM_033026.6 (MANE Select); coding-DNA position 13483, G replaced by A.
Protein change: p.Ala4495Thr; replaces alanine 4495 with threonine.
Molecular consequence: missense variant.
Genome position (GRCh38, 1-based): chr7:82,902,696, C>T on the plus strand (G>A on the coding strand, the complement: PCLO is on the minus strand). VCF-style: chr7-82902696-C-T. GRCh37 (hg19) VCF-style: chr7-82532012-C-T.
Other names: c.13483G>A, p.Ala4495Thr (NM_014510.3); short protein forms A4495T.
Identifiers: ClinVar variation 1373171 (VCV001373171.3), dbSNP rs370681449, ClinGen allele CA4319147.